The following is an entry in ClinVar:

ClinVar aggregate classification (germline): Uncertain significance (1 of 4 stars; one submission).

gnomAD v4.1: 2 of 1,612,642 alleles (0.00012%); highest among the groups gnomAD compares: African/African-American, 0.0013%; no homozygotes.

Submission:

Labcorp Genetics (formerly Invitae), Labcorp
Classification: Uncertain significance. Last evaluated: 2025-12-13. Review status: criteria provided, single submitter. Criteria: Invitae Variant Classification Sherloc (09022015). Collection method: clinical testing. Allele origin: germline.
Comment: This sequence change replaces arginine, which is basic and polar, with cysteine, which is neutral and slightly polar, at codon 477 of the CFHR5 protein (p.Arg477Cys). This variant is present in population databases (rs747692331, gnomAD 0.0009%). This variant has not been reported in the literature in individuals affected with CFHR5-related conditions. Invitae Evidence Modeling of protein sequence and biophysical properties (such as structural, functional, and spatial information, amino acid conservation, physicochemical variation, residue mobility, and thermodynamic stability) indicates that this missense variant is expected to disrupt CFHR5 protein function with a positive predictive value of 80%. In summary, the available evidence is currently insufficient to determine the role of this variant in disease. Therefore, it has been classified as a Variant of Uncertain Significance.

NM_030787.4(CFHR5):c.1429C>T (p.Arg477Cys)

Gene: CFHR5 (complement factor H related 5; plus strand). Cytogenetic location: 1q31.3.
Variant type: single nucleotide variant.
Coding change: c.1429C>T on transcript NM_030787.4 (MANE Select); coding-DNA position 1429, C replaced by T.
Protein change: p.Arg477Cys; replaces arginine 477 with cysteine.
Molecular consequence: missense variant.
Genome position (GRCh38, 1-based): chr1:197,004,759, C>T. VCF-style: chr1-197004759-C-T. GRCh37 (hg19) VCF-style: chr1-196973889-C-T.
Other names: short protein forms R477C.
Identifiers: ClinVar variation 4748468 (VCV004748468.1).
Genomic context (GRCh38, chr1:197,004,759, plus strand): 5'-AATGGAGATACCACCTCATTCCCATTATCAGTATATCCTCCAGGGTCAACAGTGACGTAC[C>T]GTTGCCAGTCCTTCTATAAACTCCAGGGCTCTGTAACTGTAACATGCAGAAATAAACAGT-3'
Protein context (NP_110414.1, residues 467-487): VYPPGSTVTY[Arg477Cys]CQSFYKLQGS